The following is an entry in ClinVar:

ClinVar aggregate classification (germline): Benign. Review status: criteria provided, single submitter (1 of 4 stars). 2 submissions from 2 submitters: Benign (1). 1 of the submissions does not count toward it. Last evaluated 2026-02-03.

Allele frequency attached by ClinVar (database versions not stated): gnomAD exomes 0.00061 and 0.00143; ExAC 0.00186; gnomAD 0.00576 and 0.00620; 1000 Genomes Project 0.00599; 1000 Genomes Project 30x 0.00640; TOPMed 0.00660; ESP Exome Variant Server 0.00692.
gnomAD v4.1: 1,809 of 1,613,696 alleles (0.11%); highest among the groups gnomAD compares: African/African-American, 2.1%; 20 homozygotes.

Submissions (2):

Labcorp Genetics (formerly Invitae), Labcorp
Classification: Benign. Last evaluated: 2026-02-03. Review status: criteria provided, single submitter. Criteria: Invitae Variant Classification Sherloc (09022015). Collection method: clinical testing. Allele origin: germline.

Genetic Services Laboratory, University of Chicago
Classification: Likely benign for AllHighlyPenetrant. Review status: no assertion criteria provided. Collection method: clinical testing. Allele origin: germline. Inheritance: Autosomal recessive inheritance. Not counted in ClinVar's aggregate classification.
Comment: Likely benign based on allele frequency in 1000 Genomes Project or ESP global frequency and its presence in a patient with a rare or unrelated disease phenotype. NOT Sanger confirmed.

NM_020921.4(NIN):c.6068A>G (p.Asn2023Ser)

Gene: NIN (ninein; minus strand). Cytogenetic location: 14q22.1.
Variant type: single nucleotide variant.
Coding change: c.6068A>G on transcript NM_020921.4 (MANE Select); coding-DNA position 6068, A replaced by G.
Protein change: p.Asn2023Ser; replaces asparagine 2023 with serine.
Molecular consequence: missense variant.
Genome position (GRCh38, 1-based): chr14:50,729,533, T>C on the plus strand (A>G on the coding strand, the complement: NIN is on the minus strand). VCF-style: chr14-50729533-T-C. GRCh37 (hg19) VCF-style: chr14-51196251-T-C.
Other names: c.3929A>G, p.Asn1310Ser (NM_016350.5); c.6068A>G, p.Asn2023Ser (NM_182944.3, NM_182946.2); short protein forms N2023S, N1310S.
Identifiers: ClinVar variation 129801 (VCV000129801.15), dbSNP rs61747997, ClinGen allele CA154116.